The following is an entry in ClinVar:

ClinVar aggregate classification (germline): Uncertain significance (1 of 4 stars; one submission).

Allele frequency attached by ClinVar (database versions not stated): gnomAD 0.00001; gnomAD exomes 0.00002; TOPMed 0.00002; ExAC 0.00007.
gnomAD v4.1: 15 of 1,613,578 alleles (0.00093%); highest among the groups gnomAD compares: Admixed American, 0.023%; no homozygotes.

Submission:

Labcorp Genetics (formerly Invitae), Labcorp
Classification: Uncertain significance. Last evaluated: 2023-07-03. Review status: criteria provided, single submitter. Criteria: Invitae Variant Classification Sherloc (09022015). Collection method: clinical testing. Allele origin: germline.
Comment: This sequence change replaces alanine, which is neutral and non-polar, with valine, which is neutral and non-polar, at codon 34 of the RIPPLY2 protein (p.Ala34Val). In summary, the available evidence is currently insufficient to determine the role of this variant in disease. Therefore, it has been classified as a Variant of Uncertain Significance. An algorithm developed to predict the effect of missense changes on protein structure and function (PolyPhen-2) suggests that this variant is likely to be tolerated. ClinVar contains an entry for this variant (Variation ID: 2163306). This variant has not been reported in the literature in individuals affected with RIPPLY2-related conditions. This variant is present in population databases (rs776756319, gnomAD 0.04%).

NM_001009994.3(RIPPLY2):c.101C>T (p.Ala34Val)

Genes: RIPPLY2 (ripply transcriptional repressor 2; plus strand), RIPPLY2-CYB5R4 (RIPPLY2-CYB5R4 readthrough; plus strand). Cytogenetic location: 6q14.2.
Variant type: single nucleotide variant.
Coding change: c.101C>T on transcript NM_001009994.3 (MANE Select); coding-DNA position 101, C replaced by T.
Protein change: p.Ala34Val; replaces alanine 34 with valine.
Molecular consequence: missense variant. On other transcripts: 5 prime UTR variant (2), non-coding transcript variant (5).
Genome position (GRCh38, 1-based): chr6:83,853,700, C>T. VCF-style: chr6-83853700-C-T. GRCh37 (hg19) VCF-style: chr6-84563419-C-T.
Other names: c.-166C>T (NM_001400774.1); c.-160C>T (NM_001400899.1); c.101C>T, p.Ala34Val (NM_001400900.1); short protein forms A34V.
Identifiers: ClinVar variation 2163306 (VCV002163306.4), dbSNP rs776756319, ClinGen allele CA3908827.